The following is an entry in ClinVar:

NM_003640.5(ELP1):c.2911_2913delinsA (p.Tyr971fs)

Gene: ELP1 (elongator acetyltransferase complex subunit 1; minus strand). Cytogenetic location: 9q31.3.
Variant type: Indel.
Coding change: c.2911_2913delinsA on transcript NM_003640.5 (MANE Select); coding-DNA positions 2911 to 2913, TAT replaced by A.
Protein change: p.Tyr971fs; shifts the reading frame from tyrosine 971.
Molecular consequence: frameshift variant.
Genome position (GRCh38, 1-based): chr9:108,893,031-108,893,033, ATA replaced by T on the plus strand (TAT replaced by A on the coding strand, the reverse complement: ELP1 is on the minus strand). VCF-style: chr9-108893031-ATA-T. GRCh37 (hg19) VCF-style: chr9-111655311-ATA-T.
Other names: c.2569_2571delinsA, p.Tyr857fs (NM_001318360.2); c.1864_1866delinsA, p.Tyr622fs (NM_001330749.2); short protein forms Y622fs, Y857fs, Y971fs.
Identifiers: ClinVar variation 1725620 (VCV001725620.2), dbSNP rs2537882376, ClinGen allele CA2580079365.

ClinVar aggregate classification (germline): Likely pathogenic (1 of 4 stars; one submission).

Conditions:
Familial dysautonomia. Also called: HSAN III; FD. Identifiers: Orphanet 1764, MedGen C0013364, MONDO:0009131, OMIM 223900. Disease mechanism: loss of function.

Submission:

Myriad Genetics, Inc.
Classification: Likely pathogenic for Familial dysautonomia. Last evaluated: 2022-03-30. Review status: criteria provided, single submitter. Criteria: Myriad Women's Health Autosomal Recessive and X-Linked Classification Criteria (2021). Collection method: clinical testing. Allele origin: unknown.
Comment: NM_003640.3(ELP1):c.2911_2913delTATinsA(Y971Kfs*32) is expected to be pathogenic in the context of familial dysautonomia. This variant is predicted to lead to an abnormal or absent protein product due to the creation of a premature termination codon in ELP1, a gene where loss-of-function variants are known to be pathogenic. Please note: this variant was assessed in the context of healthy population screening.